The following is an entry in ClinVar:

NM_004064.5(CDKN1B):c.356T>G (p.Ile119Ser)

Gene: CDKN1B (cyclin dependent kinase inhibitor 1B; plus strand). Cytogenetic location: 12p13.1.
Variant type: single nucleotide variant.
Coding change: c.356T>G on transcript NM_004064.5 (MANE Select); coding-DNA position 356, T replaced by G.
Protein change: p.Ile119Ser; replaces isoleucine 119 with serine.
Molecular consequence: missense variant.
Genome position (GRCh38, 1-based): chr12:12,718,195, T>G. VCF-style: chr12-12718195-T-G. GRCh37 (hg19) VCF-style: chr12-12871129-T-G.
Other names: c.356T>G (NM_004064.3); short protein forms I119S.
Identifiers: ClinVar variation 1020942 (VCV001020942.10), dbSNP rs142833529, ClinGen allele CA6457474.

ClinVar aggregate classification (germline): Conflicting classifications of pathogenicity. Review status: criteria provided, conflicting classifications (1 of 4 stars). 3 submissions from 3 submitters: Uncertain significance (2); Likely benign (1). Last evaluated 2024-01-26.

Conditions:
Multiple endocrine neoplasia type 4. Also called: MULTIPLE ENDOCRINE NEOPLASIA, TYPE IV. Identifiers: Orphanet 276152, MedGen C1970712, MONDO:0012552, OMIM 610755.
Hereditary cancer-predisposing syndrome. Also called: Hereditary neoplastic syndrome; Neoplastic Syndromes, Hereditary; Tumor predisposition; Hereditary Cancer Syndrome. Identifiers: Orphanet 140162, MedGen C0027672, MeSH D009386, MONDO:0015356.

gnomAD v4.1: 2 of 1,613,028 alleles (0.00012%); highest among the groups gnomAD compares: Middle Eastern, 0.033%; no homozygotes.

Submissions (3):

Ambry Genetics
Classification: Likely benign for Hereditary cancer-predisposing syndrome. Last evaluated: 2024-01-26. Review status: criteria provided, single submitter. Criteria: Ambry Variant Classification Scheme 2023. Collection method: clinical testing. Allele origin: germline.

Labcorp Genetics (formerly Invitae), Labcorp
Classification: Uncertain significance for Multiple endocrine neoplasia type 4. Last evaluated: 2022-08-09. Review status: criteria provided, single submitter. Criteria: Invitae Variant Classification Sherloc (09022015). Collection method: clinical testing. Allele origin: germline.
Comment: Algorithms developed to predict the effect of sequence changes on RNA splicing suggest that this variant may create or strengthen a splice site. This variant is not present in population databases (gnomAD no frequency). This variant has not been reported in the literature in individuals affected with CDKN1B-related conditions. ClinVar contains an entry for this variant (Variation ID: 1020942). Algorithms developed to predict the effect of missense changes on protein structure and function are either unavailable or do not agree on the potential impact of this missense change (SIFT: "Deleterious"; PolyPhen-2: "Benign"; Align-GVGD: "Class C15"). In summary, the available evidence is currently insufficient to determine the role of this variant in disease. Therefore, it has been classified as a Variant of Uncertain Significance. This sequence change replaces isoleucine, which is neutral and non-polar, with serine, which is neutral and polar, at codon 119 of the CDKN1B protein (p.Ile119Ser).

Breakthrough Genomics
Classification: Uncertain significance. Review status: criteria provided, single submitter. Criteria: ACMG Guidelines, 2015. Collection method: not provided. Allele origin: germline. Inheritance: Autosomal dominant inheritance. Affected: yes.